The following is an entry in ClinVar:

NM_139276.3(STAT3):c.1032G>T (p.Gln344His)

Gene: STAT3 (signal transducer and activator of transcription 3; minus strand). Cytogenetic location: 17q21.2.
Variant type: single nucleotide variant.
Coding change: c.1032G>T on transcript NM_139276.3 (MANE Select); coding-DNA position 1032, G replaced by T.
Protein change: p.Gln344His; replaces glutamine 344 with histidine.
Molecular consequence: missense variant.
Genome position (GRCh38, 1-based): chr17:42,333,690, C>A on the plus strand (G>T on the coding strand, the complement: STAT3 is on the minus strand). VCF-style: chr17-42333690-C-A. GRCh37 (hg19) VCF-style: chr17-40485708-C-A.
Other names: c.1032G>T, p.Gln344His (NM_001369512.1, NM_001369513.1, NM_001369514.1 and 15 more transcripts); c.954G>T, p.Gln318His (NM_001384985.1); c.936G>T, p.Gln312His (NM_001384989.1); short protein forms Q312H, Q318H, Q344H.
Identifiers: ClinVar variation 4992319 (VCV004992319.1).
Genomic context (GRCh38, chr17:42,333,690, plus strand): 5'-CCTCAGTAAAATCTCTACTGGAAATGGAAGTGGCATGGCCTACCTGACTTTAGTAGTGAA[C>A]TGGACGCCGGTCTTGATGACGAGGGGCCGGTCAGGATGCATGGGCATGCAGGGCTGCCGC-3'
Protein context (NP_644805.1, residues 334-354): DRPLVIKTGV[Gln344His]FTTKVRLLVK

ClinVar aggregate classification (germline): Pathogenic (1 of 4 stars; one submission).

Conditions:
STAT3-related disorder. Also called: STAT3-related condition.

Submission:

PreventionGenetics, part of Exact Sciences
Classification: Pathogenic for STAT3-related condition. Last evaluated: 2025-08-27. Review status: criteria provided, single submitter. Criteria: ACMG Guidelines, 2015. Collection method: clinical testing. Allele origin: germline.
Comment: The STAT3 c.1032G>T variant is predicted to result in the amino acid substitution p.Gln344His. To our knowledge, this variant has not been reported in the literature or in a large population database (gnomAD), indicating this variant is rare. Another nucleotide change resulting in the same missense variant, c.1032G>C (p.Gln344His), has been reported to be causative of autosomal dominant infantile-onset multisystem autoimmune disease 1 (Table S2, Milner et al. 2015. PubMed ID: 25359994; Repository Table E1, Stray-Pedersen. 2016. PubMed ID: 27577878). This variant is interpreted as pathogenic.